The following is an entry in ClinVar:

NM_002734.5(PRKAR1A):c.83A>G (p.Gln28Arg)

Gene: PRKAR1A (protein kinase cAMP-dependent type I regulatory subunit alpha; plus strand). Cytogenetic location: 17q24.2.
Variant type: single nucleotide variant.
Coding change: c.83A>G on transcript NM_002734.5 (MANE Select); coding-DNA position 83, A replaced by G.
Protein change: p.Gln28Arg; replaces glutamine 28 with arginine.
Molecular consequence: missense variant.
Genome position (GRCh38, 1-based): chr17:68,515,482, A>G. VCF-style: chr17-68515482-A-G. GRCh37 (hg19) VCF-style: chr17-66511623-A-G.
Other names: c.83A>G, p.Gln28Arg (NM_001276289.2, NM_001276290.1, NM_001278433.2 and 4 more transcripts); short protein forms Q28R.
Identifiers: ClinVar variation 3783314 (VCV003783314.1).

ClinVar aggregate classification (germline): Uncertain significance (1 of 4 stars; one submission).

Conditions:
Hereditary cancer-predisposing syndrome. Also called: Neoplastic Syndromes, Hereditary; Hereditary Cancer Syndrome; Tumor predisposition; Hereditary neoplastic syndrome. Identifiers: Orphanet 140162, MedGen C0027672, MeSH D009386, MONDO:0015356.

Submission:

Ambry Genetics
Classification: Uncertain significance for Hereditary cancer-predisposing syndrome. Last evaluated: 2025-03-06. Review status: criteria provided, single submitter. Criteria: Ambry Variant Classification Scheme 2023. Collection method: clinical testing. Allele origin: germline.
Comment: The p.Q28R variant (also known as c.83A>G), located in coding exon 1 of the PRKAR1A gene, results from an A to G substitution at nucleotide position 83. The glutamine at codon 28 is replaced by arginine, an amino acid with highly similar properties. This amino acid position is conserved. In addition, this alteration is predicted to be deleterious by in silico analysis. Based on the available evidence, the clinical significance of this variant remains unclear.